The following is an entry in ClinVar:

NM_004006.3(DMD):c.2933G>A (p.Arg978Lys)

Gene: DMD (dystrophin; minus strand). Cytogenetic location: Xp21.1.
Variant type: single nucleotide variant.
Coding change: c.2933G>A on transcript NM_004006.3 (MANE Select); coding-DNA position 2933, G replaced by A.
Protein change: p.Arg978Lys; replaces arginine 978 with lysine.
Molecular consequence: missense variant.
Genome position (GRCh38, 1-based): chrX:32,472,180, C>T on the plus strand (G>A on the coding strand, the complement: DMD is on the minus strand). VCF-style: chrX-32472180-C-T. GRCh37 (hg19) VCF-style: chrX-32490297-C-T.
Other names: c.2909G>A, p.Arg970Lys (NM_000109.4); c.2921G>A, p.Arg974Lys (NM_004009.3); c.2564G>A, p.Arg855Lys (NM_004010.3); short protein forms R855K, R970K, R978K, R974K.
Identifiers: ClinVar variation 4747029 (VCV004747029.1).

ClinVar aggregate classification (germline): Uncertain significance (1 of 4 stars; one submission).

Conditions:
Duchenne muscular dystrophy (DMD). Also called: MUSCULAR DYSTROPHY, PSEUDOHYPERTROPHIC PROGRESSIVE, DUCHENNE TYPE; Duchenne Muscular Dystrophy (DMD). Identifiers: Orphanet 98896, MedGen C0013264, MONDO:0010679, OMIM 310200.

Submission:

Labcorp Genetics (formerly Invitae), Labcorp
Classification: Uncertain significance for Duchenne muscular dystrophy. Last evaluated: 2025-08-26. Review status: criteria provided, single submitter. Criteria: Invitae Variant Classification Sherloc (09022015). Collection method: clinical testing. Allele origin: germline.
Comment: This sequence change replaces arginine, which is basic and polar, with lysine, which is basic and polar, at codon 978 of the DMD protein (p.Arg978Lys). This variant is not present in population databases (gnomAD no frequency). This variant has not been reported in the literature in individuals affected with DMD-related conditions. Invitae Evidence Modeling of protein sequence and biophysical properties (such as structural, functional, and spatial information, amino acid conservation, physicochemical variation, residue mobility, and thermodynamic stability) indicates that this missense variant is not expected to disrupt DMD protein function with a negative predictive value of 95%. In summary, the available evidence is currently insufficient to determine the role of this variant in disease. Therefore, it has been classified as a Variant of Uncertain Significance.